The following is an entry in ClinVar:

NM_001282597.3(CTNNA2):c.1372dup (p.Leu458fs)

Gene: CTNNA2 (catenin alpha 2; plus strand). Cytogenetic location: 2p12.
Variant type: Duplication.
Coding change: c.1372dup on transcript NM_001282597.3 (MANE Select); coding-DNA position 1372, one base duplicated (C; older notation c.1372dupC).
Protein change: p.Leu458fs; shifts the reading frame from leucine 458.
Molecular consequence: frameshift variant.
Genome position (GRCh38, 1-based): chr2:80,545,063, C duplicated; the last of 2 consecutive C bases (chr2:80,545,062-80,545,063); duplicating either gives the same sequence. VCF-style (leftmost placement, unchanged base first): chr2-80545061-G-GC. GRCh37 (hg19) VCF-style: chr2-80772186-G-GC.
Other names: c.1372dup, p.Leu458fs (NM_001164883.2, NM_001399737.1, NM_004389.4); c.1474dup, p.Leu492fs (NM_001282598.2); c.409dup, p.Leu137fs (NM_001282599.2); c.268dup, p.Leu90fs (NM_001282600.2, NM_001320810.2); short protein forms L137fs, L458fs, L492fs, L90fs.
Identifiers: ClinVar variation 3358212 (VCV003358212.1).

ClinVar aggregate classification (germline): Likely pathogenic (0 of 4 stars; one submission).

Conditions:
CTNNA2-related disorder. Also called: CTNNA2-related condition.

Submission:

PreventionGenetics, part of Exact Sciences
Classification: Likely pathogenic for CTNNA2-related condition. Last evaluated: 2024-06-24. Review status: no assertion criteria provided. Collection method: clinical testing. Allele origin: germline.
Comment: The CTNNA2 c.1372dupC variant is predicted to result in a frameshift and premature protein termination (p.Leu458Profs*24). To our knowledge, this variant has not been reported in the literature or in a large population database, indicating this variant is rare. Frameshift variants in CTNNA2 are expected to be pathogenic. This variant is interpreted as likely pathogenic.